The following is an entry in ClinVar:

NM_000295.5(SERPINA1):c.250G>A (p.Ala84Thr)

Gene: SERPINA1 (serpin family A member 1; minus strand). Cytogenetic location: 14q32.13.
Variant type: single nucleotide variant.
Coding change: c.250G>A on transcript NM_000295.5 (MANE Select); coding-DNA position 250, G replaced by A.
Protein change: p.Ala84Thr; replaces alanine 84 with threonine.
Molecular consequence: missense variant.
Genome position (GRCh38, 1-based): chr14:94,382,988, C>T on the plus strand (G>A on the coding strand, the complement: SERPINA1 is on the minus strand). VCF-style: chr14-94382988-C-T. GRCh37 (hg19) VCF-style: chr14-94849325-C-T.
Other names: c.250G>A, p.Ala84Thr (NM_001002235.3, NM_001002236.3, NM_001127700.2 and 7 more transcripts); short protein forms A84T.
Identifiers: ClinVar variation 502031 (VCV000502031.14), dbSNP rs111850950, ClinGen allele CA7327521.

ClinVar aggregate classification (germline): Uncertain significance. Review status: criteria provided, multiple submitters, no conflicts (2 of 4 stars). 7 submissions from 7 submitters: Uncertain significance (7). Last evaluated 2025-09-23.

Conditions:
Alpha-1-antitrypsin deficiency (A1ATD). Also called: AAT deficiency; A1AT deficiency; Alpha1-Antitrypsin Deficiency. Identifiers: Orphanet 60, MedGen C0221757, MONDO:0013282, OMIM 613490.
SERPINA1-related disorder. Also called: SERPINA1-related condition; SerpinA1-related disorders.

Allele frequency attached by ClinVar (database versions not stated): TOPMed 0.00025; gnomAD 0.00028 and 0.00031; gnomAD exomes 0.00028 and 0.00038; ExAC 0.00030; ESP Exome Variant Server 0.00046.
gnomAD v4.1: 598 of 1,608,960 alleles (0.037%); highest among the groups gnomAD compares: Non-Finnish European, 0.047%; no homozygotes.

Submissions (7):

PreventionGenetics, part of Exact Sciences
Classification: Uncertain significance for SERPINA1-related condition. Last evaluated: 2025-09-23. Review status: criteria provided, single submitter. Criteria: ACMG Guidelines, 2015. Collection method: clinical testing. Allele origin: germline.
Comment: The SERPINA1 c.250G>A variant is predicted to result in the amino acid substitution p.Ala84Thr. This variant, referred to as p.Ala60Thr using legacy nomenclature and as the M6 allele, has been reported in the compound heterozygous state in multiple individuals with α1-antitrypsin deficiency (Zorzetto et al. 2008. PubMed ID: 18515255; Greene et al. 2012. PubMed ID: 22215832; Ortega et al. 2020. PubMed ID: 31661293). This variant is reported in 0.048% of alleles in individuals of European (non-Finnish) descent in gnomAD. At this time, the clinical significance of this variant is uncertain due to the absence of conclusive functional and genetic evidence.

Blueprint Genetics
Classification: Uncertain significance. Last evaluated: 2024-11-08. Review status: criteria provided, single submitter. Criteria: ACMG Guidelines, 2015. Collection method: clinical testing. Allele origin: germline.

Department of Pathology and Laboratory Medicine, Sinai Health System
Classification: Uncertain significance for Alpha-1-antitrypsin deficiency. Last evaluated: 2022-06-03. Review status: criteria provided, single submitter. Criteria: ACMG Guidelines, 2015. Collection method: research. Allele origin: germline.

Fulgent Genetics
Classification: Uncertain significance for Alpha-1-antitrypsin deficiency. Last evaluated: 2022-02-24. Review status: criteria provided, single submitter. Criteria: ACMG Guidelines, 2015. Collection method: clinical testing. Allele origin: unknown.

Labcorp Genetics (formerly Invitae), Labcorp
Classification: Uncertain significance for Alpha-1-antitrypsin deficiency. Last evaluated: 2021-10-14. Review status: criteria provided, single submitter. Criteria: Invitae Variant Classification Sherloc (09022015). Collection method: clinical testing. Allele origin: germline.
Comment: This sequence change replaces alanine with threonine at codon 84 of the SERPINA1 protein (p.Ala84Thr). The alanine residue is highly conserved and there is a small physicochemical difference between alanine and threonine. This variant is present in population databases (rs111850950, ExAC 0.05%). This missense change has been observed in individual(s) with reduced serum antitrypsin concentration and spontaneous pneumothorax (PMID: 18515255, 22215832). ClinVar contains an entry for this variant (Variation ID: 502031). Algorithms developed to predict the effect of missense changes on protein structure and function are either unavailable or do not agree on the potential impact of this missense change (SIFT: "Deleterious"; PolyPhen-2: "Possibly Damaging"; Align-GVGD: "Class C0"). In summary, the available evidence is currently insufficient to determine the role of this variant in disease. Therefore, it has been classified as a Variant of Uncertain Significance.

Eurofins Ntd Llc (ga)
Classification: Uncertain significance. Last evaluated: 2018-02-20. Review status: criteria provided, single submitter. Criteria: EGL ClinVar v180209 classification definitions. Collection method: clinical testing. Allele origin: germline. Observed: 2 variant alleles, 2 heterozygotes.

Illumina Laboratory Services, Illumina
Classification: Uncertain significance for Alpha-1-antitrypsin deficiency. Last evaluated: 2017-04-27. Review status: criteria provided, single submitter. Criteria: ICSL Variant Classification Criteria 13 December 2019. Collection method: clinical testing. Allele origin: germline.

Literature cited by the submitters: PubMed 18515255 (cited by Labcorp Genetics (formerly Invitae), Labcorp); PubMed 22215832 (cited by Labcorp Genetics (formerly Invitae), Labcorp).